The following is an entry in ClinVar:

ClinVar aggregate classification (germline): Uncertain significance (1 of 4 stars; one submission).

Conditions:
Microcephaly and chorioretinopathy 1. Also called: Microcephaly and chorioretinopathy, autosomal recessive, 1. Identifiers: MedGen C3278481, MONDO:0009624, OMIM 251270.

Submission:

Baylor Genetics
Classification: Uncertain significance for Microcephaly and chorioretinopathy 1. Last evaluated: 2018-07-19. Review status: criteria provided, single submitter. Criteria: ACMG Guidelines, 2015. Collection method: clinical testing. Allele origin: unknown. Affected: yes.
Comment: This variant was determined to be of uncertain significance according to ACMG Guidelines, 2015 [PMID:25741868].

NM_020461.4(TUBGCP6):c.3868A>C (p.Thr1290Pro)

Gene: TUBGCP6 (tubulin gamma complex component 6; minus strand). Cytogenetic location: 22q13.33.
Variant type: single nucleotide variant.
Coding change: c.3868A>C on transcript NM_020461.4 (MANE Select); coding-DNA position 3868, A replaced by C.
Protein change: p.Thr1290Pro; replaces threonine 1290 with proline.
Molecular consequence: missense variant.
Genome position (GRCh38, 1-based): chr22:50,220,491, T>G on the plus strand (A>C on the coding strand, the complement: TUBGCP6 is on the minus strand). VCF-style: chr22-50220491-T-G. GRCh37 (hg19) VCF-style: chr22-50658920-T-G.
Other names: short protein forms T1290P.
Identifiers: ClinVar variation 1033534 (VCV001033534.1), dbSNP rs2064499588, ClinGen allele CA412178090.
Genomic context (GRCh38, chr22:50,220,491, plus strand): 5'-CTCCCAGGCTGAGCGCTGACTGGGACGTGTGGCCAGGGGGGCTCTGTTGGGGCCTGGGTG[T>G]GTTGGGCTCAGCTTCTGGTGAGAGAGCCCCCAGCACCATGTGGGGCGGAGGGATGGGTAC-3'
Protein context (NP_065194.3, residues 1280-1300): GALSPEAEPN[Thr1290Pro]PRPQQSPPGH